The following is an entry in ClinVar:

ClinVar aggregate classification (germline): Benign. Review status: criteria provided, multiple submitters, no conflicts (2 of 4 stars). 3 submissions from 3 submitters: Benign (2). 1 of the submissions does not count toward it. Last evaluated 2019-12-31.

Conditions:
CRIM1-related disorder. Also called: CRIM1-related condition.

Allele frequency attached by ClinVar (database versions not stated): gnomAD exomes 0.00128 and 0.00314; ExAC 0.00388; 1000 Genomes Project 0.01098; 1000 Genomes Project 30x 0.01202; gnomAD 0.01301 and 0.01407; TOPMed 0.01441; ESP Exome Variant Server 0.01522.
gnomAD v4.1: 3,916 of 1,613,800 alleles (0.24%); highest among the groups gnomAD compares: African/African-American, 4.7%; 83 homozygotes.

Submissions (3):

Labcorp Genetics (formerly Invitae), Labcorp
Classification: Benign. Last evaluated: 2019-12-31. Review status: criteria provided, single submitter. Criteria: Invitae Variant Classification Sherloc (09022015). Collection method: clinical testing. Allele origin: germline.

Breakthrough Genomics
Classification: Benign. Review status: criteria provided, single submitter. Criteria: ACMG Guidelines, 2015. Collection method: not provided. Allele origin: germline. Inheritance: Unknown mechanism. Affected: yes.

PreventionGenetics, part of Exact Sciences
Classification: Benign for CRIM1-related condition. Last evaluated: 2019-06-26. Review status: no assertion criteria provided. Collection method: clinical testing. Allele origin: germline. Not counted in ClinVar's aggregate classification.
Comment: This variant is classified as benign based on ACMG/AMP sequence variant interpretation guidelines (Richards et al. 2015 PMID: 25741868, with internal and published modifications).

NM_016441.3(CRIM1):c.699A>G (p.Lys233=)

Gene: CRIM1 (cysteine rich transmembrane BMP regulator 1). Cytogenetic location: 2p22.2.
Variant type: single nucleotide variant.
Coding change: c.699A>G on transcript NM_016441.3 (MANE Select); coding-DNA position 699, A replaced by G.
Protein change: p.Lys233=; no amino-acid change (lysine 233 retained).
Molecular consequence: synonymous variant.
Genome position (GRCh38, 1-based): chr2:36,441,451, A>G. VCF-style: chr2-36441451-A-G. GRCh37 (hg19) VCF-style: chr2-36668594-A-G.
Identifiers: ClinVar variation 789559 (VCV000789559.7), dbSNP rs34360681, ClinGen allele CA1609935.
Genomic context (GRCh38, chr2:36,441,451, plus strand): 5'-CCCCGCAGGCTGTCTGCGCAAAGTCTGCCAGCCGGGAAACCTGAACATACTAGTGTCAAA[A>G]GCCTCAGGGAAGCCGGGAGAGTGCTGTGACCTCTATGAGTGCAAACCAGGTATGCACGAG-3'
Protein context (NP_057525.1, residues 223-243): QPGNLNILVS[Lys233=]ASGKPGECCD